The following is an entry in ClinVar:

ClinVar aggregate classification (germline): Likely pathogenic (1 of 4 stars; one submission).

Conditions:
Duchenne muscular dystrophy (DMD). Also called: Duchenne Muscular Dystrophy (DMD); MUSCULAR DYSTROPHY, PSEUDOHYPERTROPHIC PROGRESSIVE, DUCHENNE TYPE. Identifiers: Orphanet 98896, MedGen C0013264, MONDO:0010679, OMIM 310200.

Submission:

Labcorp Genetics (formerly Invitae), Labcorp
Classification: Likely pathogenic for Duchenne muscular dystrophy. Last evaluated: 2021-09-09. Review status: criteria provided, single submitter. Criteria: Invitae Variant Classification Sherloc (09022015). Collection method: clinical testing. Allele origin: germline.
Comment: In summary, the currently available evidence indicates that the variant is pathogenic, but additional data are needed to prove that conclusively. Therefore, this variant has been classified as Likely Pathogenic. A similar copy number variant has been observed in individual(s) with clinical features of DMD-related conditions (Invitae). This variant results in a copy number gain of the genomic region encompassing exon(s) 60-61 of the DMD gene. While the exact position of this variant cannot be determined from the data, sub-genic copy number gains are generally in tandem (PMID: 25640679). This variant is predicted to be out-of-frame, and may result in an absent or disrupted protein product. Loss-of-function variants in DMD are known to be pathogenic (PMID: 16770791, 25007885).

Literature cited by the submitters: PubMed 25640679; PubMed 16770791; PubMed 25007885.

NC_000023.10:g.(?_31366653)_(31462764_?)dup

Gene: DMD (dystrophin; minus strand). Cytogenetic location: Xp21.2.
Variant type: Duplication.
Identifiers: ClinVar variation 1511511 (VCV001511511.5).